The following is an entry in ClinVar:

ClinVar aggregate classification (germline): Uncertain significance. Review status: criteria provided, multiple submitters, no conflicts (2 of 4 stars). 2 submissions from 2 submitters: Uncertain significance (2). Last evaluated 2025-04-23.

Conditions:
Autosomal recessive limb-girdle muscular dystrophy type 2J (LGMDR10). Also called: Limb-girdle muscular dystrophy, type 2J; MUSCULAR DYSTROPHY, LIMB-GIRDLE, AUTOSOMAL RECESSIVE 10. Identifiers: Orphanet 140922, MedGen C1837342, MONDO:0012127, OMIM 608807.
Dilated cardiomyopathy 1G (CMD1G). Identifiers: Orphanet 154, MedGen C1858763, MONDO:0011400, OMIM 604145.

Allele frequency attached by ClinVar (database versions not stated): gnomAD exomes below 0.00001; gnomAD 0.00001; TOPMed 0.00002.
gnomAD v4.1: 6 of 1,596,134 alleles (0.00038%); highest among the groups gnomAD compares: Non-Finnish European, 0.00051%; no homozygotes.

Submissions (2):

GeneDx
Classification: Uncertain significance. Last evaluated: 2025-04-23. Review status: criteria provided, single submitter. Criteria: GeneDx Variant Classification Process June 2021. Collection method: clinical testing. Allele origin: germline. Affected: yes.
Comment: Not observed at significant frequency in large population cohorts (gnomAD); Missense variant in a gene in which most reported pathogenic variants are truncating/loss of function; Has not been previously published as pathogenic or benign to our knowledge; Located in the A-band, a region of TTN for which truncating variants are significantly associated with autosomal dominant cardiomyopathy and also with autosomal recessive skeletal myopathies (PMID: 22335739, 32778822)

Labcorp Genetics (formerly Invitae), Labcorp
Classification: Uncertain significance for Dilated cardiomyopathy 1G; Autosomal recessive limb-girdle muscular dystrophy type 2J. Last evaluated: 2017-04-20. Review status: criteria provided, single submitter. Criteria: Invitae Variant Classification Sherloc (09022015). Collection method: clinical testing. Allele origin: germline.

NM_001267550.2(TTN):c.94559G>A (p.Arg31520Lys)

Genes: TTN-AS1 (TTN antisense RNA 1; plus strand), TTN (titin; minus strand). Cytogenetic location: 2q31.2.
Variant type: single nucleotide variant.
Coding change: c.94559G>A on transcript NM_001267550.2 (MANE Select); coding-DNA position 94559, G replaced by A.
Protein change: p.Arg31520Lys; replaces arginine 31520 with lysine.
Molecular consequence: missense variant.
Genome position (GRCh38, 1-based): chr2:178,546,869, C>T on the plus strand (G>A on the coding strand, the complement: TTN is on the minus strand). VCF-style: chr2-178546869-C-T. GRCh37 (hg19) VCF-style: chr2-179411596-C-T.
Other names: c.94559G>A (NM_001267550.1); c.89636G>A, p.Arg29879Lys (NM_001256850.1); c.67364G>A, p.Arg22455Lys (NM_003319.4); c.86855G>A, p.Arg28952Lys (NM_133378.4); c.67739G>A, p.Arg22580Lys (NM_133432.3); c.67940G>A, p.Arg22647Lys (NM_133437.4); short protein forms R31520K, R22647K, R28952K, R29879K, R22580K, R22455K.
Identifiers: ClinVar variation 467665 (VCV000467665.4), dbSNP rs879111902, ClinGen allele CA60972642.